The following is an entry in ClinVar:

ClinVar aggregate classification (germline): Likely pathogenic. Review status: criteria provided, multiple submitters, no conflicts (2 of 4 stars). 2 submissions from 2 submitters: Likely pathogenic (2). Last evaluated 2023-04-28.

Conditions:
Usher syndrome type 1F (USH1F). Also called: USHER SYNDROME, TYPE IF. Identifiers: Orphanet 231169, Orphanet 886, MedGen C1865885, MONDO:0011186, OMIM 602083.

Allele frequency attached by ClinVar (database versions not stated): gnomAD 0.00001; TOPMed 0.00001.
gnomAD v4.1: 2 of 1,605,758 alleles (0.00012%); highest among the groups gnomAD compares: Non-Finnish European, 0.00017%; no homozygotes.

Submissions (2):

Labcorp Genetics (formerly Invitae), Labcorp
Classification: Likely pathogenic. Last evaluated: 2023-04-28. Review status: criteria provided, single submitter. Criteria: Invitae Variant Classification Sherloc (09022015). Collection method: clinical testing. Allele origin: germline.
Comment: This sequence change affects a donor splice site in intron 23 of the PCDH15 gene. It is expected to disrupt RNA splicing. Variants that disrupt the donor or acceptor splice site typically lead to a loss of protein function (PMID: 16199547), and loss-of-function variants in PCDH15 are known to be pathogenic (PMID: 11398101, 11487575, 14570705). This variant is present in population databases (no rsID available, gnomAD 0.007%). Disruption of this splice site has been observed in individual(s) with Usher syndrome (Invitae). ClinVar contains an entry for this variant (Variation ID: 1468970). Algorithms developed to predict the effect of sequence changes on RNA splicing suggest that this variant may disrupt the consensus splice site. In summary, the currently available evidence indicates that the variant is pathogenic, but additional data are needed to prove that conclusively. Therefore, this variant has been classified as Likely Pathogenic.

Broad Center for Mendelian Genomics, Broad Institute of MIT and Harvard
Classification: Likely pathogenic for Usher syndrome type 1F. Last evaluated: 2023-01-24. Review status: criteria provided, single submitter. Criteria: ACMG Guidelines, 2015. Collection method: curation. Allele origin: germline. Inheritance: Autosomal recessive inheritance.
Comment: The c.3122+1G>T variant in PCDH15 has not been previously reported in individuals with Usher syndrome type 1F, and has been identified in 0.006% (1/15428) of European (non-Finnish) chromosomes by the Genome Aggregation Database (gnomAD; dbSNP ID: rs982893820). Although this variant has been seen in the general population in a heterozygous state, its frequency is low enough to be consistent with a recessive carrier frequency. This variant is located in the 3' splice region. Computational tools predict a splicing impact, though this information is not predictive enough to determine pathogenicity. Loss of function of the PCDH15 gene is an established disease mechanism in autosomal recessive Usher syndrome type 1F. In summary, although additional studies are required to fully establish its clinical significance, this variant is likely pathogenic for autosomal recessive Usher syndrome type 1F. ACMG/AMP Criteria applied: PVS1, PM2 (Richards 2015).

Literature cited by the submitters: PubMed 16199547 (cited by Labcorp Genetics (formerly Invitae), Labcorp); PubMed 11398101 (cited by Labcorp Genetics (formerly Invitae), Labcorp); PubMed 11487575 (cited by Labcorp Genetics (formerly Invitae), Labcorp); PubMed 14570705 (cited by Labcorp Genetics (formerly Invitae), Labcorp).

NM_001384140.1(PCDH15):c.3122+1G>T

Gene: PCDH15 (protocadherin related 15; minus strand). Cytogenetic location: 10q21.1.
Variant type: single nucleotide variant.
Coding change: c.3122+1G>T on transcript NM_001384140.1 (MANE Select); the canonical splice donor site of the intron after coding-DNA position 3122, G replaced by T.
Molecular consequence: splice donor variant.
Genome position (GRCh38, 1-based): chr10:53,959,731, C>A on the plus strand (G>T on the coding strand, the complement: PCDH15 is on the minus strand). VCF-style: chr10-53959731-C-A. GRCh37 (hg19) VCF-style: chr10-55719491-C-A.
Other names: NM_001384140.1:c.3122+1G>T; c.3122+1G>T (NM_001354420.2, NM_001354429.2, NM_001142772.2 and 4 more transcripts); c.3137+1G>T (NM_001142771.2, NM_001142763.2); c.3143+1G>T (NM_001354411.2); c.3158+1G>T (NM_001142769.3); c.3056+1G>T (NM_001354404.2, NM_001142773.2, NM_001142768.2); c.3011+1G>T (NM_001142767.2); c.2909+1G>T (NM_001142765.2).
Identifiers: ClinVar variation 1468970 (VCV001468970.6), dbSNP rs982893820, ClinGen allele CA376520682.